The following is an entry in ClinVar:

NM_006031.6(PCNT):c.8646G>C (p.Leu2882Phe)

Gene: PCNT (pericentrin; plus strand). Cytogenetic location: 21q22.3.
Variant type: single nucleotide variant.
Coding change: c.8646G>C on transcript NM_006031.6 (MANE Select); coding-DNA position 8646, G replaced by C.
Protein change: p.Leu2882Phe; replaces leucine 2882 with phenylalanine.
Molecular consequence: missense variant. On other transcripts: intron variant (1).
Genome position (GRCh38, 1-based): chr21:46,432,110, G>C. VCF-style: chr21-46432110-G-C. GRCh37 (hg19) VCF-style: chr21-47852024-G-C.
Other names: c.8160+132G>C (NM_001315529.2); short protein forms L2882F.
Identifiers: ClinVar variation 211885 (VCV000211885.39), dbSNP rs141771795, ClinGen allele CA208781.
Genomic context (GRCh38, chr21:46,432,110, plus strand): 5'-GAGAGAGAGGGAGAAACCAGCGTGGTTGCAGGCAGAATTAGAGCAGTCACACCCACGGTT[G>C]AAAGAGCAAGAAGGACGCAAGGCTGCGAGGAGGAGCGCGGAGGCCAGGCAGAGCCCAGCG-3'
Protein context (NP_006022.3, residues 2872-2892): QAELEQSHPR[Leu2882Phe]KEQEGRKAAR

ClinVar aggregate classification (germline): Conflicting classifications of pathogenicity. Review status: criteria provided, conflicting classifications (1 of 4 stars). 7 submissions from 7 submitters: Uncertain significance (1); Benign (4); Likely benign (2). Last evaluated 2026-05-01.

Conditions:
Microcephalic osteodysplastic primordial dwarfism type II (MOPD2). Also called: Microcephalic osteodysplastic primordial dwarfism with tooth abnormalities; MOPD II; OSTEODYSPLASTIC PRIMORDIAL DWARFISM, TYPE II. Identifiers: Orphanet 2637, MedGen C0432246, MONDO:0008872, OMIM 210720.

Allele frequency attached by ClinVar (database versions not stated): gnomAD exomes 0.00053 and 0.00152; ExAC 0.00175; 1000 Genomes Project 0.00399; 1000 Genomes Project 30x 0.00468; gnomAD 0.00550 and 0.00596; ESP Exome Variant Server 0.00638; TOPMed 0.00656.
gnomAD v4.1: 1,652 of 1,614,130 alleles (0.1%); highest among the groups gnomAD compares: African/African-American, 2%; 10 homozygotes.

Submissions (7):

CeGaT Center for Human Genetics Tuebingen
Classification: Likely benign. Last evaluated: 2026-05-01. Review status: criteria provided, single submitter. Criteria: CeGaT Center For Human Genetics Tuebingen Variant Classification Criteria Version 2. Collection method: clinical testing. Allele origin: germline. Affected: yes. Observed: 2 variant alleles.
Comment: PCNT: BP4, BS1

Labcorp Genetics (formerly Invitae), Labcorp
Classification: Benign. Last evaluated: 2026-02-03. Review status: criteria provided, single submitter. Criteria: Invitae Variant Classification Sherloc (09022015). Collection method: clinical testing. Allele origin: germline.

Blueprint Genetics
Classification: Likely benign. Last evaluated: 2024-11-06. Review status: criteria provided, single submitter. Criteria: ACMG Guidelines, 2015. Collection method: clinical testing. Allele origin: germline.

ARUP Laboratories, Molecular Genetics and Genomics, ARUP Laboratories
Classification: Benign for Microcephalic osteodysplastic primordial dwarfism type II. Last evaluated: 2023-09-21. Review status: criteria provided, single submitter. Criteria: ARUP Molecular Germline Variant Investigation Process 2024. Collection method: clinical testing. Allele origin: germline.

GeneDx
Classification: Benign. Last evaluated: 2020-04-06. Review status: criteria provided, single submitter. Criteria: GeneDx Variant Classification Process June 2021. Collection method: clinical testing. Allele origin: germline. Affected: yes.
Comment: This variant is associated with the following publications: (PMID: 30413633)

Illumina Laboratory Services, Illumina
Classification: Benign for Microcephalic osteodysplastic primordial dwarfism type II. Last evaluated: 2018-01-13. Review status: criteria provided, single submitter. Criteria: ICSL Variant Classification Criteria 13 December 2019. Collection method: clinical testing. Allele origin: germline.
Comment: This variant was observed in the ICSL laboratory as part of a predisposition screen in an ostensibly healthy population. It had not been previously curated by ICSL or reported in the Human Gene Mutation Database (HGMD: prior to June 1st, 2018), and was therefore a candidate for classification through an automated scoring system. Utilizing variant allele frequency, disease prevalence and penetrance estimates, and inheritance mode, an automated score was calculated to assess if this variant is too frequent to cause the disease. Based on the score and internal cut-off values, a variant classified as benign is not then subjected to further curation. The score for this variant resulted in a classification of benign for this disease.

Genetic Services Laboratory, University of Chicago
Classification: Uncertain significance. Last evaluated: 2014-08-20. Review status: criteria provided, single submitter. Criteria: ACMG Guidelines, 2015. Collection method: clinical testing. Allele origin: germline.